The following is an entry in ClinVar:

NM_198123.2(CSMD3):c.1932C>T (p.Asp644=)

Gene: CSMD3 (CUB and Sushi multiple domains 3; minus strand). Cytogenetic location: 8q23.3.
Variant type: single nucleotide variant.
Coding change: c.1932C>T on transcript NM_198123.2 (MANE Select); coding-DNA position 1932, C replaced by T.
Protein change: p.Asp644=; no amino-acid change (aspartic acid 644 retained).
Molecular consequence: synonymous variant.
Genome position (GRCh38, 1-based): chr8:112,800,202, G>A on the plus strand (C>T on the coding strand, the complement: CSMD3 is on the minus strand). VCF-style: chr8-112800202-G-A. GRCh37 (hg19) VCF-style: chr8-113812431-G-A.
Other names: c.1542C>T, p.Asp514= (NM_001363185.1); c.1620C>T, p.Asp540= (NM_052900.3); c.1812C>T, p.Asp604= (NM_198124.2).
Identifiers: ClinVar variation 3048995 (VCV003048995.2), dbSNP rs530785795, ClinGen allele CA4850809.

ClinVar aggregate classification (germline): Benign (0 of 4 stars; one submission).

Conditions:
CSMD3-related disorder. Also called: CSMD3-related condition.

Allele frequency attached by ClinVar (database versions not stated): TOPMed 0.00016; gnomAD 0.00056; gnomAD exomes 0.00086; ExAC 0.00171; 1000 Genomes Project 30x 0.00390; 1000 Genomes Project 0.00459.
gnomAD v4.1: 1,329 of 1,612,488 alleles (0.082%); highest among the groups gnomAD compares: South Asian, 1.1%; 19 homozygotes.

Submission:

PreventionGenetics, part of Exact Sciences
Classification: Benign for CSMD3-related condition. Last evaluated: 2020-02-17. Review status: no assertion criteria provided. Collection method: clinical testing. Allele origin: germline.
Comment: This variant is classified as benign based on ACMG/AMP sequence variant interpretation guidelines (Richards et al. 2015 PMID: 25741868, with internal and published modifications).